The following is an entry in ClinVar:

ClinVar aggregate classification (germline): Benign/Likely benign. Review status: criteria provided, multiple submitters, no conflicts (2 of 4 stars). 7 submissions from 7 submitters: Benign (4); Likely benign (3). Last evaluated 2026-01-12.

Conditions:
Inborn genetic diseases. Identifiers: MedGen C0950123, MeSH D030342.
Acute myeloid leukemia (AML). Also called: Leukemia, acute myeloid, somatic; Leukemia, acute myelogenous, somatic; Acute myeloid leukemia, adult; AML adult; Acute non-lymphocytic leukemia; Acute granulocytic leukemia. Identifiers: Orphanet 519, MedGen C0023467, MeSH D015470, MONDO:0018874, OMIM 601626, HP:0004808. Disease mechanism: Constitutively activated FLT3.

Allele frequency attached by ClinVar (database versions not stated): gnomAD exomes 0.00186; ExAC 0.00285; 1000 Genomes Project 30x 0.00609; 1000 Genomes Project 0.00639; gnomAD 0.00694 and 0.00752; ESP Exome Variant Server 0.00749; TOPMed 0.00753.
gnomAD v4.1: 2,246 of 1,607,270 alleles (0.14%); highest among the groups gnomAD compares: African/African-American, 2.5%; 23 homozygotes.

Submissions (7):

Labcorp Genetics (formerly Invitae), Labcorp
Classification: Benign for Acute myeloid leukemia. Last evaluated: 2026-01-12. Review status: criteria provided, single submitter. Criteria: Invitae Variant Classification Sherloc (09022015). Collection method: clinical testing. Allele origin: germline.

Mayo Clinic Laboratories, Mayo Clinic
Classification: Benign. Last evaluated: 2025-09-22. Review status: criteria provided, single submitter. Criteria: ACMG Guidelines, 2015. Collection method: clinical testing. Allele origin: germline. Observed: 1 variant allele.
Comment: BS1, BP4, BP7

Ambry Genetics
Classification: Likely benign for Inborn genetic diseases. Last evaluated: 2024-08-21. Review status: criteria provided, single submitter. Criteria: Ambry Variant Classification Scheme 2023. Collection method: clinical testing. Allele origin: germline.

ARUP Laboratories, Molecular Genetics and Genomics, ARUP Laboratories
Classification: Benign. Last evaluated: 2024-02-22. Review status: criteria provided, single submitter. Criteria: ARUP Molecular Germline Variant Investigation Process 2024. Collection method: clinical testing. Allele origin: germline.

GeneDx
Classification: Likely benign. Last evaluated: 2020-12-14. Review status: criteria provided, single submitter. Criteria: GeneDx Variant Classification Process June 2021. Collection method: clinical testing. Allele origin: germline. Affected: yes.

Genetic Services Laboratory, University of Chicago
Classification: Benign. Last evaluated: 2016-10-05. Review status: criteria provided, single submitter. Criteria: ACMG Guidelines, 2015. Collection method: clinical testing. Allele origin: germline. Affected: no.

Breakthrough Genomics
Classification: Likely benign. Review status: criteria provided, single submitter. Criteria: ACMG Guidelines, 2015. Collection method: not provided. Allele origin: germline. Inheritance: Autosomal dominant inheritance. Affected: yes.

NM_004364.5(CEBPA):c.1041G>A (p.Glu347=)

Gene: CEBPA (CCAAT enhancer binding protein alpha; minus strand). Cytogenetic location: 19q13.11.
Variant type: single nucleotide variant.
Coding change: c.1041G>A on transcript NM_004364.5 (MANE Select); coding-DNA position 1041, G replaced by A.
Protein change: p.Glu347=; no amino-acid change (glutamic acid 347 retained).
Molecular consequence: synonymous variant.
Genome position (GRCh38, 1-based): chr19:33,301,374, C>T on the plus strand (G>A on the coding strand, the complement: CEBPA is on the minus strand). VCF-style: chr19-33301374-C-T. GRCh37 (hg19) VCF-style: chr19-33792280-C-T.
Other names: p.Glu347=; c.684G>A, p.Glu228= (NM_001285829.2); c.1146G>A, p.Glu382= (NM_001287424.2); c.999G>A, p.Glu333= (NM_001287435.2).
Identifiers: ClinVar variation 415197 (VCV000415197.24), dbSNP rs141430731, ClinGen allele CA9363657.
Genomic context (GRCh38, chr19:33,301,374, plus strand): 5'-AGGGCGGTCCCACAGCCGCGCGCCTCACGCGCAGTTGCCCATGGCCTTGACCAAGGAGCT[C>T]TCTGGCAGCTGGCGGAAGATGCCCCGCAGCGTGTCCAGTTCGCGGCTCAGCTGTTCCACC-3'
Protein context (NP_004355.2, residues 337-357): TLRGIFRQLP[Glu347=]SSLVKAMGNC